The following is an entry in ClinVar:

ClinVar aggregate classification (germline): Likely pathogenic (1 of 4 stars; one submission).

Conditions:
Hereditary cancer-predisposing syndrome. Also called: Neoplastic Syndromes, Hereditary; Tumor predisposition; Hereditary Cancer Syndrome; Hereditary neoplastic syndrome. Identifiers: Orphanet 140162, MedGen C0027672, MeSH D009386, MONDO:0015356.

Submission:

Ambry Genetics
Classification: Likely pathogenic for Hereditary cancer-predisposing syndrome. Last evaluated: 2021-01-15. Review status: criteria provided, single submitter. Criteria: Ambry Variant Classification Scheme 2023. Collection method: clinical testing. Allele origin: germline.
Comment: The c.186-1delG intronic variant, located in intron 2 of the ATM gene, results from a deletion of one nucleotide within intron 2 of the ATM gene. This variant was not reported in population-based cohorts in the Genome Aggregation Database (gnomAD). This nucleotide position is highly conserved in available vertebrate species. In silico splice site analysis predicts that this alteration will weaken the native splice acceptor site and will result in the creation or strengthening of a novel splice acceptor site. Based on the majority of available evidence to date, this variant is likely to be pathogenic.

NM_000051.4(ATM):c.186-1del

Gene: ATM (ATM serine/threonine kinase; plus strand). Cytogenetic location: 11q22.3.
Variant type: Deletion.
Coding change: c.186-1del on transcript NM_000051.4 (MANE Select); the canonical splice acceptor site of the intron before coding-DNA position 186, one base deleted (G; older notation c.186-1delG).
Molecular consequence: splice acceptor variant.
Genome position (GRCh38, 1-based): chr11:108,229,177, G deleted. VCF-style (leftmost placement, unchanged base first): chr11-108229176-AG-A. GRCh37 (hg19) VCF-style: chr11-108099903-AG-A.
Other names: c.186-1del (NM_001351834.2, NM_001351835.2, NM_001351836.2).
Identifiers: ClinVar variation 1781512 (VCV001781512.2), dbSNP rs2496918077, ClinGen allele CA2580083120.